The following is an entry in ClinVar:

ClinVar aggregate classification (germline): Likely pathogenic (3 of 4 stars; one submission).

Conditions:
Phenylketonuria (PKU). Also called: OLIGOPHRENIA PHENYLPYRUVICA; Phenylketonuria (PKU); Phenylketonurias; FOLLING DISEASE. Identifiers: Orphanet 716, MedGen C0031485, MONDO:0009861, OMIM 261600. Disease mechanism: loss of function.

Allele frequency attached by ClinVar (database versions not stated): gnomAD 0.00001.

Submission:

ClinGen PAH Variant Curation Expert Panel
Classification: Likely pathogenic for Phenylketonuria. Last evaluated: 2020-07-24. Review status: reviewed by expert panel. Criteria: ClinGen PAH ACMG Specifications v1. Collection method: curation. Allele origin: germline. Inheritance: Autosomal recessive inheritance.
Comment: The c.1200G>T (p.Arg400Ser) variant in PAH has been reported in 2 Chinese patients, type of PKU not determined, serum Phe at least 120umol/L; BH4 deficiency excluded (PMID: 23932990; PP4_Moderate). This variant is at the same codon as c.1199G>C (p.R400T) - curated as Pathogenic by ClinGen PAH VCEP; c.1198del (p.Arg400fs) - reported as Pathogenic in ClinVar (VarID:102554); and c.1198A>C (p.Arg400=) - curated as VUS by ClinGen PAH VCEP (PM5). This variant is absent from population databases (PM2) and is predicted deleterious by SIFT, PolyPhen2, Mutation Taster, and REVEL = 0.901 (PP3). In summary, this variant meets criteria to be classified as likely pathogenic for PAH. PAH-specific ACMG/AMP criteria applied: PM2, PM5, PP4_Moderate, PP3.

Literature cited by the submitters: PubMed 23932990.

NM_000277.3(PAH):c.1200G>T (p.Arg400Ser)

Gene: PAH (phenylalanine hydroxylase; minus strand). Cytogenetic location: 12q23.2.
Variant type: single nucleotide variant.
Coding change: c.1200G>T on transcript NM_000277.3 (MANE Select); coding-DNA position 1200, G replaced by T.
Protein change: p.Arg400Ser; replaces arginine 400 with serine.
Molecular consequence: missense variant.
Genome position (GRCh38, 1-based): chr12:102,840,515, C>A on the plus strand (G>T on the coding strand, the complement: PAH is on the minus strand). VCF-style: chr12-102840515-C-A. GRCh37 (hg19) VCF-style: chr12-103234293-C-A.
Other names: c.1200G>T, p.Arg400Ser (NM_001354304.2); short protein forms R400S.
Identifiers: ClinVar variation 987907 (VCV000987907.1), dbSNP rs1874549626, ClinGen allele CA16020967.